The following is an entry in ClinVar:

ClinVar aggregate classification (germline): Uncertain significance (1 of 4 stars; one submission).

Conditions:
Inborn genetic diseases. Identifiers: MedGen C0950123, MeSH D030342.

gnomAD v4.1: 2 of 1,613,944 alleles (0.00012%); highest among the groups gnomAD compares: Non-Finnish European, 0.00017%; no homozygotes.

Submission:

Ambry Genetics
Classification: Uncertain significance for Inborn genetic diseases. Last evaluated: 2025-01-30. Review status: criteria provided, single submitter. Criteria: Ambry Variant Classification Scheme 2023. Collection method: clinical testing. Allele origin: germline.
Comment: The p.G493A variant (also known as c.1478G>C), located in coding exon 8 of the MECOM gene, results from a G to C substitution at nucleotide position 1478. The glycine at codon 493 is replaced by alanine, an amino acid with similar properties. This amino acid position is conserved. In addition, the in silico prediction for this alteration is inconclusive. Based on the available evidence, the clinical significance of this variant remains unclear.

NM_004991.4(MECOM):c.1478G>C (p.Gly493Ala)

Gene: MECOM (MDS1 and EVI1 complex locus; minus strand). Cytogenetic location: 3q26.2.
Variant type: single nucleotide variant.
Coding change: c.1478G>C on transcript NM_004991.4 (MANE Select); coding-DNA position 1478, G replaced by C.
Protein change: p.Gly493Ala; replaces glycine 493 with alanine.
Molecular consequence: missense variant. On other transcripts: intron variant (2).
Genome position (GRCh38, 1-based): chr3:169,116,394, C>G on the plus strand (G>C on the coding strand, the complement: MECOM is on the minus strand). VCF-style: chr3-169116394-C-G. GRCh37 (hg19) VCF-style: chr3-168834182-C-G.
Other names: c.1109G>C, p.Gly370Ala (NM_001105077.4); c.914G>C, p.Gly305Ala (NM_001105078.4, NM_001164000.2, NM_001205194.2 and 4 more transcripts); c.917G>C, p.Gly306Ala (NM_001163999.2, NM_001366467.2, NM_001366468.2 and 1 more transcripts); c.1478G>C, p.Gly493Ala (NM_001366466.2); c.1133-627G>C (NM_001366473.2); c.569-627G>C (NM_001366474.2); short protein forms G306A, G305A, G370A, G493A.
Identifiers: ClinVar variation 3871767 (VCV003871767.1).